The following is an entry in ClinVar:

ClinVar aggregate classification (germline): Likely benign. Review status: criteria provided, single submitter (1 of 4 stars). 2 submissions from 2 submitters: Likely benign (1). 1 of the submissions does not count toward it. Last evaluated 2023-02-08.

Conditions:
Alpha-N-acetylgalactosaminidase deficiency type 1. Also called: NAGA DEFICIENCY, TYPE I; NEUROAXONAL DYSTROPHY, SCHINDLER TYPE; SCHINDLER DISEASE, TYPE I; ALPHA-N-ACETYLGALACTOSAMINIDASE DEFICIENCY, TYPE I. Identifiers: Orphanet 3137, Orphanet 79279, Orphanet 79281, MedGen C1836544, MONDO:0012221, OMIM 609241.
NAGA-related disorder. Also called: NAGA-related disorders; NAGA-related condition. Identifiers: MedGen CN378768.

Allele frequency attached by ClinVar (database versions not stated): ExAC 0.00001; gnomAD exomes 0.00001.

Submissions (2):

Labcorp Genetics (formerly Invitae), Labcorp
Classification: Likely benign for Alpha-N-acetylgalactosaminidase deficiency type 1. Last evaluated: 2023-02-08. Review status: criteria provided, single submitter. Criteria: Invitae Variant Classification Sherloc (09022015). Collection method: clinical testing. Allele origin: germline.

PreventionGenetics, part of Exact Sciences
Classification: Likely benign for NAGA-related condition. Last evaluated: 2019-02-19. Review status: no assertion criteria provided. Collection method: clinical testing. Allele origin: germline. Not counted in ClinVar's aggregate classification.
Comment: This variant is classified as likely benign based on ACMG/AMP sequence variant interpretation guidelines (Richards et al. 2015 PMID: 25741868, with internal and published modifications).

NM_000262.3(NAGA):c.958-7T>C

Gene: NAGA (alpha-N-acetylgalactosaminidase; minus strand). Cytogenetic location: 22q13.2.
Variant type: single nucleotide variant.
Coding change: c.958-7T>C on transcript NM_000262.3 (MANE Select); 7 bases into the intron before coding-DNA position 958, T replaced by C.
Molecular consequence: intron variant.
Genome position (GRCh38, 1-based): chr22:42,061,074, A>G on the plus strand (T>C on the coding strand, the complement: NAGA is on the minus strand). VCF-style: chr22-42061074-A-G. GRCh37 (hg19) VCF-style: chr22-42457078-A-G.
Other names: c.958-7T>C (NM_000262.2, NM_001362850.1, NM_001362848.1).
Identifiers: ClinVar variation 2905143 (VCV002905143.5), dbSNP rs767512113, ClinGen allele CA10263634.
Genomic context (GRCh38, chr22:42,061,074, plus strand): 5'-GGCGCTAGCCTTGTTGGACAGAGGCCGCATGTACACTTCGATGAGAGATTTTTCCTGGGC[A>G]CAGAAGGTGGCTACTGGCTGGGGTCCCTTGCTCAGACAGGACCTACCATTGCCTCCCTGG-3'